The following is an entry in ClinVar:

NM_014389.3(PELP1):c.2682AGA[1] (p.Glu908del)

Gene: PELP1 (proline, glutamate and leucine rich protein 1; minus strand). Cytogenetic location: 17p13.2.
Variant type: Microsatellite.
Coding change: c.2682AGA[1] on transcript NM_014389.3 (MANE Select); one copy of the 3-base unit AGA starting at c.2682; the reference has two copies in a row; one copy, 3 bases deleted.
Protein change: p.Glu908del; deletes glutamic acid 908.
Molecular consequence: inframe deletion.
Genome position (GRCh38, 1-based): chr17:4,672,304-4,672,306, TCT deleted on the plus strand (AGA on the coding strand, the reverse complement: PELP1 is on the minus strand); deleting any 3 consecutive bases within chr17:4,672,304-4,672,311 gives the same sequence; the position shown is the placement nearest the transcript's 3' end. VCF-style (leftmost placement, unchanged base first): chr17-4672303-CTCT-C. GRCh37 (hg19) VCF-style: chr17-4575598-CTCT-C.
Other names: c.2241AGA[1], p.Glu761del (NM_001278241.2); short protein forms E761del, E908del.
Identifiers: ClinVar variation 3904779 (VCV003904779.10).

ClinVar aggregate classification (germline): Likely benign (1 of 4 stars; one submission).

Submission:

CeGaT Center for Human Genetics Tuebingen
Classification: Likely benign. Last evaluated: 2025-05-01. Review status: criteria provided, single submitter. Criteria: CeGaT Center For Human Genetics Tuebingen Variant Classification Criteria Version 2. Collection method: clinical testing. Allele origin: germline. Affected: yes. Observed: 1 variant allele.
Comment: PELP1: BS2